The following is an entry in ClinVar:

NM_001371279.1(REEP1):c.191T>C (p.Phe64Ser)

Gene: REEP1 (receptor accessory protein 1; minus strand). Cytogenetic location: 2p11.2.
Variant type: single nucleotide variant.
Coding change: c.191T>C on transcript NM_001371279.1 (MANE Select); coding-DNA position 191, T replaced by C.
Protein change: p.Phe64Ser; replaces phenylalanine 64 with serine.
Molecular consequence: missense variant. On other transcripts: intron variant (1).
Genome position (GRCh38, 1-based): chr2:86,254,806, A>G on the plus strand (T>C on the coding strand, the complement: REEP1 is on the minus strand). VCF-style: chr2-86254806-A-G. GRCh37 (hg19) VCF-style: chr2-86481929-A-G.
Other names: c.212T>C, p.Phe71Ser (NM_001164730.2); c.110T>C, p.Phe37Ser (NM_001164731.2); c.191T>C, p.Phe64Ser (NM_001371280.1, NM_001410855.1, NM_001410856.1 and 1 more transcripts); c.182+9159T>C (NM_001164732.2); short protein forms F37S, F64S, F71S.
Identifiers: ClinVar variation 2476801 (VCV002476801.5), dbSNP rs2468842582, ClinGen allele CA347717661.
Genomic context (GRCh38, chr2:86,254,806, plus strand): 5'-GAGCCTTTTGTGTAGGGAGACAGCAGCCAGGCTACAAATGCTATTTTTAGTTCATAATAG[A>G]ATGGAAACCTGGAGAGAGAGATGAAAACACAAGTTCTGTTAGGTTCTCAGCAACACTGCC-3'
Protein context (NP_001358208.1, residues 54-74): FTDIFLCWFP[Phe64Ser]YYELKIAFVA

ClinVar aggregate classification (germline): Uncertain significance. Review status: criteria provided, multiple submitters, no conflicts (2 of 4 stars). 2 submissions from 2 submitters: Uncertain significance (2). Last evaluated 2023-10-13.

Conditions:
Inborn genetic diseases. Identifiers: MedGen C0950123, MeSH D030342.
Hereditary spastic paraplegia 31. Also called: SPASTIC PARAPLEGIA 31, AUTOSOMAL DOMINANT. Identifiers: Orphanet 101011, MedGen C1853247, MONDO:0012453, OMIM 610250.

gnomAD v4.1: 8 of 1,614,080 alleles (0.0005%); highest among the groups gnomAD compares: Non-Finnish European, 0.00068%; no homozygotes.

Submissions (2):

Labcorp Genetics (formerly Invitae), Labcorp
Classification: Uncertain significance for Hereditary spastic paraplegia 31. Last evaluated: 2023-10-13. Review status: criteria provided, single submitter. Criteria: Invitae Variant Classification Sherloc (09022015). Collection method: clinical testing. Allele origin: germline.
Comment: This sequence change replaces phenylalanine, which is neutral and non-polar, with serine, which is neutral and polar, at codon 64 of the REEP1 protein (p.Phe64Ser). This variant is not present in population databases (gnomAD no frequency). This missense change has been observed in individual(s) with hereditary motor neuropathy and/or REEP1-related conditions (PMID: 26392352; Invitae). This variant is also known as c.212T>C p.(Phe71Ser). ClinVar contains an entry for this variant (Variation ID: 2476801). An algorithm developed to predict the effect of missense changes on protein structure and function (PolyPhen-2) suggests that this variant is likely to be disruptive. In summary, the available evidence is currently insufficient to determine the role of this variant in disease. Therefore, it has been classified as a Variant of Uncertain Significance.

Ambry Genetics
Classification: Uncertain significance for Inborn genetic diseases. Last evaluated: 2023-02-02. Review status: criteria provided, single submitter. Criteria: Ambry Variant Classification Scheme 2023. Collection method: clinical testing. Allele origin: germline.

Literature cited by the submitters: PubMed 26392352 (cited by Labcorp Genetics (formerly Invitae), Labcorp and Ambry Genetics); PubMed 24051375 (cited by Ambry Genetics).